The following is an entry in ClinVar:

ClinVar aggregate classification (germline): Uncertain significance (1 of 4 stars; one submission).

Submission:

Labcorp Genetics (formerly Invitae), Labcorp
Classification: Uncertain significance. Last evaluated: 2022-05-17. Review status: criteria provided, single submitter. Criteria: Invitae Variant Classification Sherloc (09022015). Collection method: clinical testing. Allele origin: germline.
Comment: This variant results in a copy number gain of the genomic region encompassing exon(s) 6-23 of the LRP5 gene. This region includes the termination codon of the gene. This copy number gain extends beyond the assayed region for this gene and therefore may encompass additional genes. As the precise location of this event is unknown, it may be in tandem or it may be located elsewhere in the genome. This variant has not been reported in the literature in individuals affected with LRP5-related conditions. Experimental studies and prediction algorithms are not available or were not evaluated, and the functional significance of this variant is currently unknown. In summary, the available evidence is currently insufficient to determine the role of this variant in disease. Therefore, it has been classified as a Variant of Uncertain Significance.

NC_000011.9:g.(?_68153764)_(68216538_?)dup

Gene: LRP5 (LDL receptor related protein 5; plus strand). Cytogenetic location: 11q13.2.
Variant type: Duplication.
Identifiers: ClinVar variation 2424413 (VCV002424413.3).